The following is an entry in ClinVar:

NM_000787.4(DBH):c.1415A>G (p.Asp472Gly)

Gene: DBH (dopamine beta-hydroxylase; plus strand). Cytogenetic location: 9q34.2.
Variant type: single nucleotide variant.
Coding change: c.1415A>G on transcript NM_000787.4 (MANE Select); coding-DNA position 1415, A replaced by G.
Protein change: p.Asp472Gly; replaces aspartic acid 472 with glycine.
Molecular consequence: missense variant.
Genome position (GRCh38, 1-based): chr9:133,652,980, A>G. VCF-style: chr9-133652980-A-G. GRCh37 (hg19) VCF-style: chr9-136518102-A-G.
Other names: short protein forms D472G.
Identifiers: ClinVar variation 2052356 (VCV002052356.4), dbSNP rs2538354910, ClinGen allele CA375420047.

ClinVar aggregate classification (germline): Uncertain significance (1 of 4 stars; one submission).

Conditions:
Orthostatic hypotension 1 (ORTHYP1). Also called: Dopamine beta-hydroxylase deficiency; Orthostatic hypotension 1, due to DBH deficiency; NORADRENALINE DEFICIENCY; NOREPINEPHRINE DEFICIENCY. Identifiers: Orphanet 230, MedGen C4746777, MONDO:0009123, OMIM 223360.

Allele frequency attached by ClinVar (database versions not stated): gnomAD exomes below 0.00001.
gnomAD v4.1: 1 of 1,613,372 alleles (0.000062%); highest among the groups gnomAD compares: Non-Finnish European, 0.000085%; no homozygotes.

Submission:

Labcorp Genetics (formerly Invitae), Labcorp
Classification: Uncertain significance for Orthostatic hypotension 1. Last evaluated: 2023-01-04. Review status: criteria provided, single submitter. Criteria: Invitae Variant Classification Sherloc (09022015). Collection method: clinical testing. Allele origin: germline.
Comment: In summary, the available evidence is currently insufficient to determine the role of this variant in disease. Therefore, it has been classified as a Variant of Uncertain Significance. Advanced modeling of protein sequence and biophysical properties (such as structural, functional, and spatial information, amino acid conservation, physicochemical variation, residue mobility, and thermodynamic stability) performed at Invitae indicates that this missense variant is not expected to disrupt DBH protein function. This variant has not been reported in the literature in individuals affected with DBH-related conditions. This variant is not present in population databases (gnomAD no frequency). This sequence change replaces aspartic acid, which is acidic and polar, with glycine, which is neutral and non-polar, at codon 472 of the DBH protein (p.Asp472Gly).